The following is an entry in ClinVar:

ClinVar aggregate classification (germline): Uncertain significance (1 of 4 stars; one submission).

Submission:

Labcorp Genetics (formerly Invitae), Labcorp
Classification: Uncertain significance. Last evaluated: 2022-10-20. Review status: criteria provided, single submitter. Criteria: Invitae Variant Classification Sherloc (09022015). Collection method: clinical testing. Allele origin: germline.
Comment: In summary, the available evidence is currently insufficient to determine the role of this variant in disease. Therefore, it has been classified as a Variant of Uncertain Significance. Advanced modeling of protein sequence and biophysical properties (such as structural, functional, and spatial information, amino acid conservation, physicochemical variation, residue mobility, and thermodynamic stability) performed at Invitae indicates that this missense variant is not expected to disrupt ADCY5 protein function. This variant has not been reported in the literature in individuals affected with ADCY5-related conditions. This variant is not present in population databases (gnomAD no frequency). This sequence change replaces valine, which is neutral and non-polar, with leucine, which is neutral and non-polar, at codon 914 of the ADCY5 protein (p.Val914Leu).

NM_183357.3(ADCY5):c.2740G>T (p.Val914Leu)

Gene: ADCY5 (adenylate cyclase 5; minus strand). Cytogenetic location: 3q21.1.
Variant type: single nucleotide variant.
Coding change: c.2740G>T on transcript NM_183357.3 (MANE Select); coding-DNA position 2740, G replaced by T.
Protein change: p.Val914Leu; replaces valine 914 with leucine.
Molecular consequence: missense variant.
Genome position (GRCh38, 1-based): chr3:123,300,280, C>A on the plus strand (G>T on the coding strand, the complement: ADCY5 is on the minus strand). VCF-style: chr3-123300280-C-A. GRCh37 (hg19) VCF-style: chr3-123019127-C-A.
Other names: c.1690G>T, p.Val564Leu (NM_001199642.1); c.2740G>T, p.Val914Leu (NM_001378259.1); short protein forms V564L, V914L.
Identifiers: ClinVar variation 1992630 (VCV001992630.4), dbSNP rs781580481, ClinGen allele CA354224887.